The following is an entry in ClinVar:

ClinVar aggregate classification (germline): Likely pathogenic (1 of 4 stars; one submission).

Conditions:
Multiple sulfatase deficiency (MSD). Also called: Mucosulfatidosis; Multiple Sulfatase Deficiency Disease; Sulfatidosis, Juvenile, Austin Type. Identifiers: Orphanet 585, MedGen C0268263, MONDO:0010088, OMIM 272200.

Submission:

Labcorp Genetics (formerly Invitae), Labcorp
Classification: Likely pathogenic for Multiple sulfatase deficiency. Last evaluated: 2023-03-18. Review status: criteria provided, single submitter. Criteria: Invitae Variant Classification Sherloc (09022015). Collection method: clinical testing. Allele origin: unknown.
Comment: In summary, the currently available evidence indicates that the variant is pathogenic, but additional data are needed to prove that conclusively. Therefore, this variant has been classified as Likely Pathogenic. A similar copy number variant has been observed in individual(s) with multiple sulfatase deficiency (PMID: 25885655). This variant results in a copy number gain of the genomic region encompassing exon(s) 4-7 of the SUMF1 gene. While the exact position of this variant cannot be determined from the data, sub-genic copy number gains are generally in tandem (PMID: 25640679). This variant is predicted to be in-frame, and likely preserves the integrity of the reading frame.

Literature cited by the submitters: PubMed 25885655; PubMed 25640679.

NC_000003.11:g.(?_4452529)_(4461850_?)dup

Gene: SUMF1 (sulfatase modifying factor 1; minus strand). Cytogenetic location: 3p26.1.
Variant type: Duplication.
Identifiers: ClinVar variation 3246853 (VCV003246853.1).